The following is an entry in ClinVar:

ClinVar aggregate classification (germline): Uncertain significance (1 of 4 stars; one submission).

Submission:

GeneDx
Classification: Uncertain significance. Last evaluated: 2019-08-21. Review status: criteria provided, single submitter. Criteria: GeneDx Variant Classification Process June 2021. Collection method: clinical testing. Allele origin: germline. Affected: yes.
Comment: Not observed in large population cohorts (Lek et al., 2016); In silico analysis, which includes protein predictors and evolutionary conservation, supports that this variant does not alter protein structure/function; Has not been previously published as pathogenic or benign to our knowledge

NM_001164508.2(NEB):c.24086T>C (p.Val8029Ala)

Genes: NEB (nebulin; minus strand), RIF1 (replication timing regulatory factor 1; plus strand). Cytogenetic location: 2q23.3.
Variant type: single nucleotide variant.
Coding change: c.24086T>C on transcript NM_001164508.2 (MANE Select); coding-DNA position 24086, T replaced by C.
Protein change: p.Val8029Ala; replaces valine 8029 with alanine.
Molecular consequence: missense variant. On other transcripts: intron variant (1).
Genome position (GRCh38, 1-based): chr2:151,499,326, A>G on the plus strand (T>C on the coding strand, the complement: NEB is on the minus strand). VCF-style: chr2-151499326-A-G. GRCh37 (hg19) VCF-style: chr2-152355840-A-G.
Other names: c.24086T>C, p.Val8029Ala (NM_001164507.2); c.24191T>C, p.Val8064Ala (NM_001271208.2); c.18826-2958T>C (NM_004543.5); short protein forms V8029A, V8064A.
Identifiers: ClinVar variation 1307705 (VCV001307705.2), dbSNP rs2153021060, ClinGen allele CA348779419.